The following is an entry in ClinVar:

NM_005592.4(MUSK):c.2003G>A (p.Arg668His)

Gene: MUSK (muscle associated receptor tyrosine kinase; plus strand). Cytogenetic location: 9q31.3.
Variant type: single nucleotide variant.
Coding change: c.2003G>A on transcript NM_005592.4 (MANE Select); coding-DNA position 2003, G replaced by A.
Protein change: p.Arg668His; replaces arginine 668 with histidine.
Molecular consequence: missense variant.
Genome position (GRCh38, 1-based): chr9:110,800,381, G>A. VCF-style: chr9-110800381-G-A. GRCh37 (hg19) VCF-style: chr9-113562661-G-A.
Other names: c.1745G>A, p.Arg582His (NM_001166280.2); c.1715G>A, p.Arg572His (NM_001166281.2); c.743G>A, p.Arg248His (NM_001369398.1); short protein forms R248H, R572H, R582H, R668H.
Identifiers: ClinVar variation 2433843 (VCV002433843.7), dbSNP rs777865246, ClinGen allele CA5184552.
Genomic context (GRCh38, chr9:110,800,381, plus strand): 5'-GGAAGCCAATGTGCCTGCTCTTTGAATACATGGCCTATGGTGACCTCAATGAGTTCCTCC[G>A]CAGCATGTCCCCTCACACCGTGTGCAGCCTCAGTCACAGTGACTTGTCTATGAGGGCTCA-3'
Protein context (NP_005583.1, residues 658-678): MAYGDLNEFL[Arg668His]SMSPHTVCSL

ClinVar aggregate classification (germline): Uncertain significance. Review status: criteria provided, multiple submitters, no conflicts (2 of 4 stars). 3 submissions from 3 submitters: Uncertain significance (3). Last evaluated 2026-02-01.

Conditions:
Inborn genetic diseases. Identifiers: MedGen C0950123, MeSH D030342.
Fetal akinesia deformation sequence 1 (FADS1). Also called: Pena-Shokeir syndrome type I; Fetal akinesia sequence. Identifiers: Orphanet 994, MedGen C1276035, MONDO:0100101, OMIM 208150, HP:0001989.
Congenital myasthenic syndrome 9. Also called: Myasthenic syndrome, congenital, 9, associated with acetylcholine receptor deficiency. Identifiers: Orphanet 590, MedGen C4225368, MONDO:0014587, OMIM 616325.

Allele frequency attached by ClinVar (database versions not stated): TOPMed 0.00002.
gnomAD v4.1: 17 of 1,613,654 alleles (0.0011%); highest among the groups gnomAD compares: South Asian, 0.0033%; no homozygotes.

Submissions (3):

Labcorp Genetics (formerly Invitae), Labcorp
Classification: Uncertain significance for Congenital myasthenic syndrome 9; Fetal akinesia deformation sequence 1. Last evaluated: 2026-02-01. Review status: criteria provided, single submitter. Criteria: Invitae Variant Classification Sherloc (09022015). Collection method: clinical testing. Allele origin: germline.
Comment: This sequence change replaces arginine, which is basic and polar, with histidine, which is basic and polar, at codon 668 of the MUSK protein (p.Arg668His). This variant is present in population databases (rs777865246, gnomAD 0.006%). This variant has not been reported in the literature in individuals affected with MUSK-related conditions. ClinVar contains an entry for this variant (Variation ID: 2433843). Invitae Evidence Modeling of protein sequence and biophysical properties (such as structural, functional, and spatial information, amino acid conservation, physicochemical variation, residue mobility, and thermodynamic stability) indicates that this missense variant is not expected to disrupt MUSK protein function with a negative predictive value of 80%. In summary, the available evidence is currently insufficient to determine the role of this variant in disease. Therefore, it has been classified as a Variant of Uncertain Significance.

Ambry Genetics
Classification: Uncertain significance for Inborn genetic diseases. Last evaluated: 2025-06-12. Review status: criteria provided, single submitter. Criteria: Ambry Variant Classification Scheme 2023. Collection method: clinical testing. Allele origin: germline.

Revvity Omics, Revvity
Classification: Uncertain significance. Last evaluated: 2019-10-01. Review status: criteria provided, single submitter. Criteria: ACMG Guidelines, 2015. Collection method: clinical testing. Allele origin: germline.